The following is an entry in ClinVar:

NM_004006.3(DMD):c.5026-2A>G

Gene: DMD (dystrophin; minus strand). Cytogenetic location: Xp21.1.
Variant type: single nucleotide variant.
Coding change: c.5026-2A>G on transcript NM_004006.3 (MANE Select); the canonical splice acceptor site of the intron before coding-DNA position 5026, A replaced by G.
Molecular consequence: splice acceptor variant.
Genome position (GRCh38, 1-based): chrX:32,364,712, T>C on the plus strand (A>G on the coding strand, the complement: DMD is on the minus strand). VCF-style: chrX-32364712-T-C. GRCh37 (hg19) VCF-style: chrX-32382829-T-C.
Other names: c.5002-2A>G (NM_000109.4); c.1003-2A>G (NM_004011.4); c.994-2A>G (NM_004012.4); c.5014-2A>G (NM_004009.3); c.4657-2A>G (NM_004010.3).
Identifiers: ClinVar variation 570910 (VCV000570910.9), dbSNP rs1569559849, ClinGen allele CA412671710.

ClinVar aggregate classification (germline): Pathogenic/Likely pathogenic. Review status: criteria provided, multiple submitters, no conflicts (2 of 4 stars). 2 submissions from 2 submitters: Pathogenic (1); Likely pathogenic (1). Last evaluated 2019-05-28.

Conditions:
Duchenne muscular dystrophy (DMD). Also called: Duchenne Muscular Dystrophy (DMD); MUSCULAR DYSTROPHY, PSEUDOHYPERTROPHIC PROGRESSIVE, DUCHENNE TYPE. Identifiers: Orphanet 98896, MedGen C0013264, MONDO:0010679, OMIM 310200.

Submissions (2):

Mendelics
Classification: Pathogenic for Duchenne muscular dystrophy. Last evaluated: 2019-05-28. Review status: criteria provided, single submitter. Criteria: Mendelics Assertion Criteria 2017. Collection method: clinical testing. Allele origin: unknown.

Labcorp Genetics (formerly Invitae), Labcorp
Classification: Likely pathogenic for Duchenne muscular dystrophy. Last evaluated: 2018-12-21. Review status: criteria provided, single submitter. Criteria: Invitae Variant Classification Sherloc (09022015). Collection method: clinical testing. Allele origin: germline.
Comment: This variant is not present in population databases (ExAC no frequency). This variant has not been reported in the literature in individuals with DMD-related disease. ClinVar contains an entry for this variant (Variation ID: 570910). Algorithms developed to predict the effect of sequence changes on RNA splicing suggest that this variant may disrupt the consensus splice site, but this prediction has not been confirmed by published transcriptional studies. Donor and acceptor splice site variants typically lead to a loss of protein function (PMID: 16199547), and loss-of-function variants in DMD are known to be pathogenic (PMID: 16770791, 25007885). In summary, the currently available evidence indicates that the variant is pathogenic, but additional data are needed to prove that conclusively. Therefore, this variant has been classified as Likely Pathogenic. This sequence change affects an acceptor splice site in intron 35 of the DMD gene. It is expected to disrupt RNA splicing and likely results in an absent or disrupted protein product.

Literature cited by the submitters: PubMed 16199547 (cited by Labcorp Genetics (formerly Invitae), Labcorp); PubMed 16770791 (cited by Labcorp Genetics (formerly Invitae), Labcorp); PubMed 25007885 (cited by Labcorp Genetics (formerly Invitae), Labcorp).